The following is an entry in ClinVar:

NM_138348.6(OTULIN):c.103_120dup (p.Gln40_Pro41insAlaAlaAlaSerGlyGln)

Gene: OTULIN (OTU deubiquitinase with linear linkage specificity; plus strand). Cytogenetic location: 5p15.2.
Variant type: Duplication.
Coding change: c.103_120dup on transcript NM_138348.6 (MANE Select); coding-DNA positions 103 to 120, 18 bases duplicated (GCGGCGGCCAGCGGGCAG).
Protein change: p.Gln40_Pro41insAlaAlaAlaSerGlyGln.
Molecular consequence: inframe insertion.
Genome position (GRCh38, 1-based): chr5:14,664,928-14,664,945, GCGGCGGCCAGCGGGCAG duplicated; duplicating any 18 consecutive bases within chr5:14,664,926-14,664,945 gives the same sequence; the c. name uses the placement nearest the transcript's 3' end. VCF-style (leftmost placement, unchanged base first): chr5-14664925-A-AAGGCGGCGGCCAGCGGGC. GRCh37 (hg19) VCF-style: chr5-14665034-A-AAGGCGGCGGCCAGCGGGC.
Identifiers: ClinVar variation 2134820 (VCV002134820.4), dbSNP rs2478112523, ClinGen allele CA2580072155.

ClinVar aggregate classification (germline): Uncertain significance (1 of 4 stars; one submission).

Submission:

Labcorp Genetics (formerly Invitae), Labcorp
Classification: Uncertain significance. Last evaluated: 2022-05-06. Review status: criteria provided, single submitter. Criteria: Invitae Variant Classification Sherloc (09022015). Collection method: clinical testing. Allele origin: germline.
Comment: In summary, the available evidence is currently insufficient to determine the role of this variant in disease. Therefore, it has been classified as a Variant of Uncertain Significance. This variant has not been reported in the literature in individuals affected with OTULIN-related conditions. This variant is not present in population databases (gnomAD no frequency). This variant, c.103_120dup, results in the insertion of 6 amino acid(s) of the OTULIN protein (p.Ala35_Gln40dup), but otherwise preserves the integrity of the reading frame.